The following is an entry in ClinVar:

NM_001710.6(CFB):c.274A>T (p.Thr92Ser)

Gene: CFB (complement factor B; plus strand). Cytogenetic location: 6p21.33.
Variant type: single nucleotide variant.
Coding change: c.274A>T on transcript NM_001710.6 (MANE Select); coding-DNA position 274, A replaced by T.
Protein change: p.Thr92Ser; replaces threonine 92 with serine.
Molecular consequence: missense variant.
Genome position (GRCh38, 1-based): chr6:31,946,582, A>T. VCF-style: chr6-31946582-A-T. GRCh37 (hg19) VCF-style: chr6-31914359-A-T.
Other names: short protein forms T92S.
Identifiers: ClinVar variation 906097 (VCV000906097.15), dbSNP rs369638886, ClinGen allele CA3727973.

ClinVar aggregate classification (germline): Conflicting classifications of pathogenicity. Review status: criteria provided, conflicting classifications (1 of 4 stars). 5 submissions from 4 submitters: Uncertain significance (4); Likely benign (1). Last evaluated 2026-01-06.

Conditions:
Macular degeneration. Also called: Degenerative disorder of macula. Identifiers: MedGen C0024437, MONDO:0003004, HP:0000608.
Inborn genetic diseases. Identifiers: MedGen C0950123, MeSH D030342.
Atypical hemolytic-uremic syndrome with B factor anomaly. Also called: HEMOLYTIC UREMIC SYNDROME, ATYPICAL, SUSCEPTIBILITY TO, 4; AHUS, SUSCEPTIBILITY TO, 4. Identifiers: Orphanet 2134, MedGen C2752038, MONDO:0013042, OMIM 612924.
Atypical hemolytic-uremic syndrome. Identifiers: Orphanet 2134, MedGen C2931788, MONDO:0016244.

Allele frequency attached by ClinVar (database versions not stated): gnomAD exomes 0.00002 and 0.00007; ExAC 0.00004; gnomAD 0.00004; TOPMed 0.00006.

Submissions (5):

Labcorp Genetics (formerly Invitae), Labcorp
Classification: Likely benign. Last evaluated: 2026-01-06. Review status: criteria provided, single submitter. Criteria: Invitae Variant Classification Sherloc (09022015). Collection method: clinical testing. Allele origin: germline.

Genomenon, Inc
Classification: Uncertain significance for Atypical hemolytic-uremic syndrome. Last evaluated: 2025-09-26. Review status: criteria provided, single submitter. Criteria: Genomenon Sequence Variant Interpretation Standards - Updated. Collection method: curation. Allele origin: germline. Affected: yes.
Comment: CFB p.Thr92Ser (c.274A>T) is a missense variant that changes the amino acid at residue 92 from Threonine to Serine. This variant has been observed in at least one proband affected with atypical hemolytic-uremic syndrome (PMID:37744338). In silico models agree that this variant is not damaging. In conclusion, we classify CFB p.Thr92Ser (c.274A>T) as a variant of uncertain significance.

Ambry Genetics
Classification: Uncertain significance for Inborn genetic diseases. Last evaluated: 2025-02-07. Review status: criteria provided, single submitter. Criteria: Ambry Variant Classification Scheme 2023. Collection method: clinical testing. Allele origin: germline.

Illumina Laboratory Services, Illumina
Classification: Uncertain significance for Macular degeneration. Last evaluated: 2018-01-13. Review status: criteria provided, single submitter. Criteria: ICSL Variant Classification Criteria 13 December 2019. Collection method: clinical testing. Allele origin: germline.

Illumina Laboratory Services, Illumina
Classification: Uncertain significance for Atypical hemolytic-uremic syndrome with B factor anomaly. Last evaluated: 2018-01-13. Review status: criteria provided, single submitter. Criteria: ICSL Variant Classification Criteria 13 December 2019. Collection method: clinical testing. Allele origin: germline.

Literature cited by the submitters: PubMed 37744338 (cited by Genomenon, Inc).